The following is an entry in ClinVar:

NM_000085.5(CLCNKB):c.673G>C (p.Glu225Gln)

Genes: CLCNKB (chloride voltage-gated channel Kb; plus strand), LOC106501713 (CLCNKB recombination region; plus strand). Cytogenetic location: 1p36.13.
Variant type: single nucleotide variant.
Coding change: c.673G>C on transcript NM_000085.5 (MANE Select); coding-DNA position 673, G replaced by C.
Protein change: p.Glu225Gln; replaces glutamic acid 225 with glutamine.
Molecular consequence: missense variant.
Genome position (GRCh38, 1-based): chr1:16,049,137, G>C. VCF-style: chr1-16049137-G-C. GRCh37 (hg19) VCF-style: chr1-16375632-G-C.
Other names: c.166G>C, p.Glu56Gln (NM_001165945.2); short protein forms E225Q, E56Q.
Identifiers: ClinVar variation 1716827 (VCV001716827.6), dbSNP rs1570334344, ClinGen allele CA338637101.

ClinVar aggregate classification (germline): Uncertain significance. Review status: criteria provided, multiple submitters, no conflicts (2 of 4 stars). 2 submissions from 2 submitters: Uncertain significance (2). Last evaluated 2024-10-18.

Conditions:
Bartter disease type 3. Also called: Bartter syndrome type 3. Identifiers: Orphanet 112, Orphanet 93605, MedGen C1846343, MONDO:0011822, OMIM 607364.

Submissions (2):

3billion
Classification: Uncertain significance for Bartter disease type 3. Last evaluated: 2024-10-18. Review status: criteria provided, single submitter. Criteria: ACMG Guidelines, 2015. Collection method: clinical testing. Allele origin: germline. Affected: yes.
Comment: The variant is not observed in the gnomAD v4.1.0 dataset. Predicted Consequence/Location: Missense variant In silico tool predictions suggest damaging effect of the variant on gene or gene product [REVEL: 0.96 (>=0.6, sensitivity 0.68 and specificity 0.92); 3Cnet: 0.85 (>=0.6, sensitivity 0.72 and precision 0.9)]. The variant has been reported as of uncertain significance (ClinVar ID: VCV001716827). Therefore, this variant is classified as VUS according to the recommendation of ACMG/AMP guideline.

Labcorp Genetics (formerly Invitae), Labcorp
Classification: Uncertain significance. Last evaluated: 2023-08-17. Review status: criteria provided, single submitter. Criteria: Invitae Variant Classification Sherloc (09022015). Collection method: clinical testing. Allele origin: germline.
Comment: This sequence change replaces glutamic acid, which is acidic and polar, with glutamine, which is neutral and polar, at codon 225 of the CLCNKB protein (p.Glu225Gln). In summary, the available evidence is currently insufficient to determine the role of this variant in disease. Therefore, it has been classified as a Variant of Uncertain Significance. Algorithms developed to predict the effect of sequence changes on RNA splicing suggest that this variant may create or strengthen a splice site. Advanced modeling of protein sequence and biophysical properties (such as structural, functional, and spatial information, amino acid conservation, physicochemical variation, residue mobility, and thermodynamic stability) performed at Invitae indicates that this missense variant is expected to disrupt CLCNKB protein function. ClinVar contains an entry for this variant (Variation ID: 1716827). This missense change has been observed in individual(s) with Bartter syndrome (Invitae). This variant is not present in population databases (gnomAD no frequency).